The following is an entry in ClinVar:

NM_152594.3(SPRED1):c.580C>T (p.Gln194Ter)

Gene: SPRED1 (sprouty related EVH1 domain containing 1; plus strand). Cytogenetic location: 15q14.
Variant type: single nucleotide variant.
Coding change: c.580C>T on transcript NM_152594.3 (MANE Select); coding-DNA position 580, C replaced by T.
Protein change: p.Gln194Ter; replaces glutamine 194 with a stop codon.
Molecular consequence: nonsense.
Genome position (GRCh38, 1-based): chr15:38,339,893, C>T. VCF-style: chr15-38339893-C-T. GRCh37 (hg19) VCF-style: chr15-38632094-C-T.
Other names: short protein forms Q194*.
Identifiers: ClinVar variation 3721639 (VCV003721639.2).

ClinVar aggregate classification (germline): Pathogenic (1 of 4 stars; one submission).

Conditions:
Legius syndrome. Identifiers: Orphanet 137605, MedGen C1969623, MONDO:0012669, OMIM 611431. Disease mechanism: loss of function.

Submission:

Labcorp Genetics (formerly Invitae), Labcorp
Classification: Pathogenic for Legius syndrome. Last evaluated: 2024-02-06. Review status: criteria provided, single submitter. Criteria: Invitae Variant Classification Sherloc (09022015). Collection method: clinical testing. Allele origin: germline.
Comment: This sequence change creates a premature translational stop signal (p.Gln194*) in the SPRED1 gene. It is expected to result in an absent or disrupted protein product. Loss-of-function variants in SPRED1 are known to be pathogenic (PMID: 17704776). This variant is not present in population databases (gnomAD no frequency). This premature translational stop signal has been observed in individual(s) with clinical features of Legius syndrome (PMID: 20179001). For these reasons, this variant has been classified as Pathogenic.

Literature cited by the submitters: PubMed 17704776; PubMed 20179001.